The following is an entry in ClinVar:

ClinVar aggregate classification (germline): Uncertain significance (1 of 4 stars; one submission).

Conditions:
Ataxia-telangiectasia syndrome (AT). Also called: Cerebello-oculocutaneous telangiectasia; Immunodeficiency with ataxia telangiectasia; Ataxia-telangiectasia, complementation group E; Ataxia-telangiectasia, complementation group D; AT, COMPLEMENTATION GROUP C; ATAXIA-TELANGIECTASIA, COMPLEMENTATION GROUP A. Identifiers: Orphanet 100, MedGen C0004135, MONDO:0008840, OMIM 208900.

Submission:

Labcorp Genetics (formerly Invitae), Labcorp
Classification: Uncertain significance for Ataxia-telangiectasia syndrome. Last evaluated: 2019-11-16. Review status: criteria provided, single submitter. Criteria: Invitae Variant Classification Sherloc (09022015). Collection method: clinical testing. Allele origin: germline.
Comment: This sequence change falls in intron 49 of the ATM gene. It does not directly change the encoded amino acid sequence of the ATM protein, but it affects a nucleotide within the consensus splice site of the intron. In summary, the available evidence is currently insufficient to determine the role of this variant in disease. Therefore, it has been classified as a Variant of Uncertain Significance. Nucleotide substitutions within the consensus splice site are a relatively common cause of aberrant splicing (PMID: 17576681, 9536098). Algorithms developed to predict the effect of sequence changes on RNA splicing suggest that this variant may disrupt the consensus splice site, but this prediction has not been confirmed by published transcriptional studies. This variant has not been reported in the literature in individuals with ATM-related disease. This variant is not present in population databases (ExAC no frequency).

Literature cited by the submitters: PubMed 17576681; PubMed 9536098.

NM_000051.4(ATM):c.7307+3A>C

Genes: ATM (ATM serine/threonine kinase; plus strand), C11orf65 (chromosome 11 open reading frame 65; minus strand). Cytogenetic location: 11q22.3.
Variant type: single nucleotide variant.
Coding change: c.7307+3A>C on transcript NM_000051.4 (MANE Select); 3 bases into the intron after coding-DNA position 7307, A replaced by C.
Molecular consequence: intron variant.
Genome position (GRCh38, 1-based): chr11:108,329,241, A>C. VCF-style: chr11-108329241-A-C. GRCh37 (hg19) VCF-style: chr11-108199968-A-C.
Other names: c.7307+3A>C (NM_001351834.2); c.641-20170T>G (NM_001330368.2); c.*38+5979T>G (NM_001351110.2).
Identifiers: ClinVar variation 569044 (VCV000569044.9), dbSNP rs1565527512, ClinGen allele CA891842772.